The following is an entry in ClinVar:

ClinVar aggregate classification (germline): Uncertain significance (1 of 4 stars; one submission).

Conditions:
Fucosidosis. Also called: ALPHA-L-FUCOSIDASE DEFICIENCY. Identifiers: Orphanet 349, MedGen C0016788, MONDO:0009254, OMIM 230000.

gnomAD v4.1: 13 of 1,614,174 alleles (0.00081%); highest among the groups gnomAD compares: East Asian, 0.02%; no homozygotes.

Submission:

Labcorp Genetics (formerly Invitae), Labcorp
Classification: Uncertain significance for Fucosidosis. Last evaluated: 2022-01-22. Review status: criteria provided, single submitter. Criteria: Invitae Variant Classification Sherloc (09022015). Collection method: clinical testing. Allele origin: germline.
Comment: This sequence change replaces proline, which is neutral and non-polar, with arginine, which is basic and polar, at codon 146 of the FUCA1 protein (p.Pro146Arg). This variant is present in population databases (rs2228424, gnomAD 0.03%). This variant has not been reported in the literature in individuals affected with FUCA1-related conditions. Algorithms developed to predict the effect of missense changes on protein structure and function are either unavailable or do not agree on the potential impact of this missense change (SIFT: "Deleterious"; PolyPhen-2: "Probably Damaging"; Align-GVGD: "Class C0"). In summary, the available evidence is currently insufficient to determine the role of this variant in disease. Therefore, it has been classified as a Variant of Uncertain Significance.

NM_000147.5(FUCA1):c.437C>G (p.Pro146Arg)

Genes: FUCA1 (alpha-L-fucosidase 1; minus strand), LOC126805661 (BRD4-independent group 4 enhancer GRCh37_chr1:24191742-24192941; plus strand). Cytogenetic location: 1p36.11.
Variant type: single nucleotide variant.
Coding change: c.437C>G on transcript NM_000147.5 (MANE Select); coding-DNA position 437, C replaced by G.
Protein change: p.Pro146Arg; replaces proline 146 with arginine.
Molecular consequence: missense variant. On other transcripts: non-coding transcript variant (4).
Genome position (GRCh38, 1-based): chr1:23,865,578, G>C on the plus strand (C>G on the coding strand, the complement: FUCA1 is on the minus strand). VCF-style: chr1-23865578-G-C. GRCh37 (hg19) VCF-style: chr1-24192068-G-C.
Other names: short protein forms P146R.
Identifiers: ClinVar variation 2179315 (VCV002179315.1), dbSNP rs2228424, ClinGen allele CA686542.